The following is an entry in ClinVar:

NM_006648.4(WNK2):c.6599C>T (p.Ala2200Val)

Gene: WNK2 (WNK lysine deficient protein kinase 2; plus strand). Cytogenetic location: 9q22.31.
Variant type: single nucleotide variant.
Coding change: c.6599C>T on transcript NM_006648.4 (MANE Select); coding-DNA position 6599, C replaced by T.
Protein change: p.Ala2200Val; replaces alanine 2200 with valine.
Molecular consequence: missense variant.
Genome position (GRCh38, 1-based): chr9:93,317,602, C>T. VCF-style: chr9-93317602-C-T. GRCh37 (hg19) VCF-style: chr9-96079884-C-T.
Other names: c.6710C>T, p.Ala2237Val (NM_001282394.3); short protein forms A2237V, A2200V.
Identifiers: ClinVar variation 3816636 (VCV003816636.1).
Genomic context (GRCh38, chr9:93,317,602, plus strand): 5'-TGGGGATGCCACGTCTGCCCCCAGCGCCCGGCCCTCTGTCCACCACGGTCATTCCCGGAG[C>T]CGCCCCGACCCTGTCCGTGCCCACACCAGGTACTGCCCTCTCCAACCTCCCAACCCCACC-3'
Protein context (NP_006639.3, residues 2190-2210): GPLSTTVIPG[Ala2200Val]APTLSVPTPD

ClinVar aggregate classification (germline): Uncertain significance (1 of 4 stars; one submission).

gnomAD v4.1: 15 of 1,612,974 alleles (0.00093%); highest among the groups gnomAD compares: African/African-American, 0.02%; no homozygotes.

Submission:

Ambry Genetics
Classification: Uncertain significance. Last evaluated: 2024-12-26. Review status: criteria provided, single submitter. Criteria: Ambry Variant Classification Scheme 2023. Collection method: clinical testing. Allele origin: germline.
Comment: The p.A2200V variant (also known as c.6599C>T), located in coding exon 28 of the WNK2 gene, results from a C to T substitution at nucleotide position 6599. The alanine at codon 2200 is replaced by valine, an amino acid with similar properties. This amino acid position is conserved. In addition, this alteration is predicted to be tolerated by in silico analysis. Based on the available evidence, the clinical significance of this variant remains unclear.